The following is an entry in ClinVar:

ClinVar aggregate classification (germline): Uncertain significance (1 of 4 stars; one submission).

Conditions:
Inborn genetic diseases. Identifiers: MedGen C0950123, MeSH D030342.

Submission:

Ambry Genetics
Classification: Uncertain significance for Inborn genetic diseases. Last evaluated: 2023-10-23. Review status: criteria provided, single submitter. Criteria: Ambry Variant Classification Scheme 2023. Collection method: clinical testing. Allele origin: germline.
Comment: The p.P301A variant (also known as c.901C>G), located in coding exon 7 of the BUB1B gene, results from a C to G substitution at nucleotide position 901. The proline at codon 301 is replaced by alanine, an amino acid with highly similar properties. This amino acid position is conserved. In addition, this alteration is predicted to be tolerated by in silico analysis. Since supporting evidence is limited at this time, the clinical significance of this alteration remains unclear.

NM_001211.6(BUB1B):c.901C>G (p.Pro301Ala)

Gene: BUB1B (BUB1 mitotic checkpoint serine/threonine kinase B; plus strand). Cytogenetic location: 15q15.1.
Variant type: single nucleotide variant.
Coding change: c.901C>G on transcript NM_001211.6 (MANE Select); coding-DNA position 901, C replaced by G.
Protein change: p.Pro301Ala; replaces proline 301 with alanine.
Molecular consequence: missense variant.
Genome position (GRCh38, 1-based): chr15:40,185,314, C>G. VCF-style: chr15-40185314-C-G. GRCh37 (hg19) VCF-style: chr15-40477515-C-G.
Other names: short protein forms P301A.
Identifiers: ClinVar variation 3221451 (VCV003221451.1), dbSNP rs1243619358, ClinGen allele CA391684581.
Genomic context (GRCh38, chr15:40,185,314, plus strand): 5'-GAGGCTTCTACAGCAGAGTTGTCTAAGCCTACAGTCCAGCCATGGATAGCACCCCCCATG[C>G]CCAGGGCCAAAGAGAATGAGCTGCAAGCAGGCCCTTGGAACACAGGCAGGTCCTTGGAAC-3'
Protein context (NP_001202.5, residues 291-311): TVQPWIAPPM[Pro301Ala]RAKENELQAG